The following is an entry in ClinVar:

ClinVar aggregate classification (germline): Pathogenic (1 of 4 stars; one submission).

Submission:

Labcorp Genetics (formerly Invitae), Labcorp
Classification: Pathogenic. Last evaluated: 2023-01-07. Review status: criteria provided, single submitter. Criteria: Invitae Variant Classification Sherloc (09022015). Collection method: clinical testing. Allele origin: germline.
Comment: This sequence change creates a premature translational stop signal (p.Lys258Argfs*7) in the IFT74 gene. It is expected to result in an absent or disrupted protein product. Loss-of-function variants in IFT74 are known to be pathogenic (PMID: 33531668). For these reasons, this variant has been classified as Pathogenic. This variant has not been reported in the literature in individuals affected with IFT74-related conditions. This variant is not present in population databases (gnomAD no frequency).

Literature cited by the submitters: PubMed 33531668.

NM_025103.4(IFT74):c.771_774del (p.Lys258fs)

Gene: IFT74 (intraflagellar transport 74; plus strand). Cytogenetic location: 9p21.2.
Variant type: Deletion.
Coding change: c.771_774del on transcript NM_025103.4 (MANE Select); coding-DNA positions 771 to 774, 4 bases deleted (AAAA; older notation c.771_774delAAAA).
Protein change: p.Lys258fs; shifts the reading frame from lysine 258.
Molecular consequence: frameshift variant.
Genome position (GRCh38, 1-based): chr9:27,011,950-27,011,953, AAAA deleted; deleting any 4 consecutive bases within chr9:27,011,948-27,011,953 gives the same sequence; the c. name uses the placement nearest the transcript's 3' end. VCF-style (leftmost placement, unchanged base first): chr9-27011947-GAAAA-G. GRCh37 (hg19) VCF-style: chr9-27011945-GAAAA-G.
Other names: c.771_774del, p.Lys258fs (NM_001099222.3, NM_001099223.3, NM_001099224.3 and 1 more transcripts); short protein forms K258fs.
Identifiers: ClinVar variation 2824967 (VCV002824967.3), dbSNP rs765124462, ClinGen allele CA2739269170.